The following is an entry in ClinVar:

ClinVar aggregate classification (germline): Uncertain significance (1 of 4 stars; one submission).

Submission:

Labcorp Genetics (formerly Invitae), Labcorp
Classification: Uncertain significance. Last evaluated: 2025-03-04. Review status: criteria provided, single submitter. Criteria: Invitae Variant Classification Sherloc (09022015). Collection method: clinical testing. Allele origin: germline.
Comment: This sequence change replaces alanine, which is neutral and non-polar, with serine, which is neutral and polar, at codon 290 of the TCF3 protein (p.Ala290Ser). This variant is not present in population databases (gnomAD no frequency). This variant has not been reported in the literature in individuals affected with TCF3-related conditions. Invitae Evidence Modeling of protein sequence and biophysical properties (such as structural, functional, and spatial information, amino acid conservation, physicochemical variation, residue mobility, and thermodynamic stability) indicates that this missense variant is not expected to disrupt TCF3 protein function with a negative predictive value of 80%. In summary, the available evidence is currently insufficient to determine the role of this variant in disease. Therefore, it has been classified as a Variant of Uncertain Significance.

NM_003200.5(TCF3):c.868G>T (p.Ala290Ser)

Gene: TCF3 (transcription factor 3; minus strand). Cytogenetic location: 19p13.3.
Variant type: single nucleotide variant.
Coding change: c.868G>T on transcript NM_003200.5 (MANE Select); coding-DNA position 868, G replaced by T.
Protein change: p.Ala290Ser; replaces alanine 290 with serine.
Molecular consequence: missense variant.
Genome position (GRCh38, 1-based): chr19:1,621,925, C>A on the plus strand (G>T on the coding strand, the complement: TCF3 is on the minus strand). VCF-style: chr19-1621925-C-A. GRCh37 (hg19) VCF-style: chr19-1621924-C-A.
Other names: c.868G>T, p.Ala290Ser (NM_001136139.4, NM_001351778.2, NM_001351779.2); short protein forms A290S.
Identifiers: ClinVar variation 3682713 (VCV003682713.2).